The following is an entry in ClinVar:

ClinVar aggregate classification (germline): Pathogenic (1 of 4 stars; one submission).

Conditions:
Familial cancer of breast. Also called: Hereditary breast cancer; BREAST CANCER, FAMILIAL; hereditary breast carcinoma. Identifiers: Orphanet 227535, MedGen C0346153, MONDO:0016419, OMIM 114480. Disease mechanism: loss of function.

Submission:

Myriad Genetics, Inc.
Classification: Pathogenic for Familial cancer of breast. Last evaluated: 2023-09-13. Review status: criteria provided, single submitter. Criteria: Myriad Autosomal Dominant, Autosomal Recessive and X-Linked Classification Criteria (2023). Collection method: clinical testing. Allele origin: unknown.
Comment: This variant is considered pathogenic. This variant creates a frameshift predicted to result in premature protein truncation.

NM_024675.4(PALB2):c.2570dup (p.Leu857fs)

Gene: PALB2 (partner and localizer of BRCA2; minus strand). Cytogenetic location: 16p12.2.
Variant type: Duplication.
Coding change: c.2570dup on transcript NM_024675.4 (MANE Select); coding-DNA position 2570, one base duplicated (T; older notation c.2570dupT).
Protein change: p.Leu857fs; shifts the reading frame from leucine 857.
Molecular consequence: frameshift variant. On other transcripts: intron variant (1).
Genome position (GRCh38, 1-based): chr16:23,629,220, A duplicated on the plus strand (T on the coding strand, the reverse complement: PALB2 is on the minus strand); the first of 2 consecutive A bases (chr16:23,629,220-23,629,221); duplicating either gives the same sequence. VCF-style (leftmost placement, unchanged base first): chr16-23629219-C-CA. GRCh37 (hg19) VCF-style: chr16-23640540-C-CA.
Other names: c.2510dup, p.Leu837fs (NM_001407296.1); c.2570dup, p.Leu857fs (NM_001407298.1, NM_001407299.1, NM_001407300.1 and 2 more transcripts); c.1685dup, p.Leu562fs (NM_001407304.1, NM_001407305.1, NM_001407306.1 and 5 more transcripts); c.782dup, p.Leu261fs (NM_001407312.1, NM_001407313.1); c.104dup, p.Leu35fs (NM_001407314.1); c.2514+420dup (NM_001407297.1); short protein forms L261fs, L35fs, L562fs, L837fs, L857fs.
Identifiers: ClinVar variation 2674116 (VCV002674116.1), dbSNP rs756018344, ClinGen allele CA2695197451.
Genomic context (GRCh38, chr16:23,629,219, plus strand): 5'-TTCATATGTAAGACACGAGACACTGGAAGAGAATATTCTTCTGACCTTTAACTCTGAAAC[C>CA]AATTGTAGGTTGCCTGGGTTTATGCTATCAGAAGCAGGAAGCTCTGCTGTTTCAGTCTGT-3'